The following is an entry in ClinVar:

ClinVar aggregate classification (germline): Pathogenic (1 of 4 stars; one submission).

Submission:

Labcorp Genetics (formerly Invitae), Labcorp
Classification: Pathogenic. Last evaluated: 2025-07-11. Review status: criteria provided, single submitter. Criteria: Invitae Variant Classification Sherloc (09022015). Collection method: clinical testing. Allele origin: germline.
Comment: This sequence change creates a premature translational stop signal (p.Leu156Glyfs*5) in the ATR gene. It is expected to result in an absent or disrupted protein product. Loss-of-function variants in ATR are known to be pathogenic (PMID: 21228398, 23144622). This variant is not present in population databases (gnomAD no frequency). This variant has not been reported in the literature in individuals affected with ATR-related conditions. For these reasons, this variant has been classified as Pathogenic.

Literature cited by the submitters: PubMed 21228398; PubMed 23144622.

NM_001184.4(ATR):c.466_467del (p.Leu156fs)

Gene: ATR (ATR checkpoint kinase; minus strand). Cytogenetic location: 3q23.
Variant type: Deletion.
Coding change: c.466_467del on transcript NM_001184.4 (MANE Select); coding-DNA positions 466 to 467, 2 bases deleted (TT; older notation c.466_467delTT).
Protein change: p.Leu156fs; shifts the reading frame from leucine 156.
Molecular consequence: frameshift variant.
Genome position (GRCh38, 1-based): chr3:142,562,935-142,562,936, AA deleted on the plus strand (TT on the coding strand, the reverse complement: ATR is on the minus strand). VCF-style (leftmost placement, unchanged base first): chr3-142562934-CAA-C. GRCh37 (hg19) VCF-style: chr3-142281776-CAA-C.
Other names: c.466_467del, p.Leu156fs (NM_001354579.2); short protein forms L156fs.
Identifiers: ClinVar variation 4810961 (VCV004810961.1).
Genomic context (GRCh38, chr3:142,562,934, plus strand): 5'-GCTCATGACCACTGGCCATTCCACAGCATGACCCATCACATTTCTTCTATGGAGGTAAAC[CAA>C]GTCTTCAAAAAGTTGTAATAATTCTTTTGTGAGTACCCCAAAAATAGCAGGACTCTTGCT-3'